The following is an entry in ClinVar:

NM_003072.5(SMARCA4):c.1140C>G (p.His380Gln)

Gene: SMARCA4 (SWI/SNF related BAF chromatin remodeling complex subunit ATPase 4; plus strand). Cytogenetic location: 19p13.2.
Variant type: single nucleotide variant.
Coding change: c.1140C>G on transcript NM_003072.5 (MANE Select); coding-DNA position 1140, C replaced by G.
Protein change: p.His380Gln; replaces histidine 380 with glutamine.
Molecular consequence: missense variant. On other transcripts: non-coding transcript variant (1).
Genome position (GRCh38, 1-based): chr19:10,989,338, C>G. VCF-style: chr19-10989338-C-G. GRCh37 (hg19) VCF-style: chr19-11100014-C-G.
Other names: c.1140C>G, p.His380Gln (NM_001128844.3, NM_001128845.2, NM_001128846.2 and 4 more transcripts); short protein forms H380Q.
Identifiers: ClinVar variation 822238 (VCV000822238.5), dbSNP rs114594206, ClinGen allele CA404059402.

ClinVar aggregate classification (germline): Uncertain significance (1 of 4 stars; one submission).

Conditions:
Hereditary cancer-predisposing syndrome. Also called: Tumor predisposition; Hereditary Cancer Syndrome; Neoplastic Syndromes, Hereditary; Hereditary neoplastic syndrome. Identifiers: Orphanet 140162, MedGen C0027672, MeSH D009386, MONDO:0015356.

Submission:

Ambry Genetics
Classification: Uncertain significance for Hereditary cancer-predisposing syndrome. Last evaluated: 2024-09-26. Review status: criteria provided, single submitter. Criteria: Ambry Variant Classification Scheme 2023. Collection method: clinical testing. Allele origin: germline.
Comment: The p.H380Q variant (also known as c.1140C>G), located in coding exon 6 of the SMARCA4 gene, results from a C to G substitution at nucleotide position 1140. The histidine at codon 380 is replaced by glutamine, an amino acid with highly similar properties. This amino acid position is highly conserved in available vertebrate species. In addition, the in silico prediction for this alteration is inconclusive. Based on the available evidence, the clinical significance of this variant remains unclear.